The following is an entry in ClinVar:

NM_000543.5(SMPD1):c.734_739del (p.Tyr245_Gly247delinsCys)

Gene: SMPD1 (sphingomyelin phosphodiesterase 1; plus strand). Cytogenetic location: 11p15.4.
Variant type: Deletion.
Coding change: c.734_739del on transcript NM_000543.5 (MANE Select); coding-DNA positions 734 to 739, 6 bases deleted (ACTGGG; older notation c.734_739delACTGGG).
Protein change: p.Tyr245_Gly247delinsCys.
Molecular consequence: inframe indel. On other transcripts: 5 prime UTR variant (1), non-coding transcript variant (1).
Genome position (GRCh38, 1-based): chr11:6,391,799-6,391,804, ACTGGG deleted. VCF-style (leftmost placement, unchanged base first): chr11-6391798-TACTGGG-T. GRCh37 (hg19) VCF-style: chr11-6413028-TACTGGG-T.
Other names: p.Tyr245_Gly247delinsCys; c.731_736del, p.Tyr244_Gly246delinsCys (NM_001007593.3); c.734_739del, p.Tyr245_Gly247delinsCys (NM_001318087.2, NM_001365135.2); c.-228_-223del (NM_001318088.2).
Identifiers: ClinVar variation 3248561 (VCV003248561.2), dbSNP rs2493806255.
Genomic context (GRCh38, chr11:6,391,798, plus strand): 5'-GACCCACTGTGCTGCCGCCGGGGTTCTGGCCTGCCGCCCGCATCCCGGCCAGGTGCCGGA[TACTGGG>T]GCGAATACAGCAAGTGTGACCTGCCCCTGAGGACCCTGGAGAGCCTGTTGAGTGGGCTGG-3'

ClinVar aggregate classification (germline): Pathogenic (1 of 4 stars; one submission).

Conditions:
Niemann-Pick disease, type A. Also called: Infantile Neurovisceral ASMD (Niemann-Pick Disease Type A; NPD-A); SPHINGOMYELIN LIPIDOSIS; SPHINGOMYELINASE DEFICIENCY. Identifiers: Orphanet 77292, MedGen C0268242, MONDO:0009756, OMIM 257200. Disease mechanism: loss of function.

Submission:

Foundation for Research in Genetics and Endocrinology, FRIGE's Institute of Human Genetics
Classification: Pathogenic for Niemann-Pick disease, type A. Last evaluated: 2024-06-26. Review status: criteria provided, single submitter. Criteria: ACMG Guidelines, 2015. Collection method: clinical testing. Allele origin: germline. Inheritance: Autosomal recessive inheritance. Affected: yes. Observed: 1 homozygote.
Comment: A Homozygous deletion in exon 2 of the SMPD1 gene that results in deletion and insertion at codon 245 to 247 was detected. The observed variant c.734_739 (p.Tyr245_Gly247delinsCys) has not been reported in the 1000 genomes and gnomAD databases. The in silico prediction of the variant disease causing by MutationTaster. The reference codon is conserved across species. In summary, the variant meets our criteria to be classified as pathogenic.